The following is an entry in ClinVar:

NM_001211.6(BUB1B):c.605G>A (p.Arg202Gln)

Gene: BUB1B (BUB1 mitotic checkpoint serine/threonine kinase B; plus strand). Cytogenetic location: 15q15.1.
Variant type: single nucleotide variant.
Coding change: c.605G>A on transcript NM_001211.6 (MANE Select); coding-DNA position 605, G replaced by A.
Protein change: p.Arg202Gln; replaces arginine 202 with glutamine.
Molecular consequence: missense variant.
Genome position (GRCh38, 1-based): chr15:40,183,737, G>A. VCF-style: chr15-40183737-G-A. GRCh37 (hg19) VCF-style: chr15-40475938-G-A.
Other names: short protein forms R202Q.
Identifiers: ClinVar variation 403755 (VCV000403755.10), dbSNP rs768417752, ClinGen allele CA7475523.
Genomic context (GRCh38, chr15:40,183,737, plus strand): 5'-GTCACCTCACTAAAAGTTGTGCATTCTGCTACTTTAGACAATTCCAAGCTCGAGTGTCTC[G>A]GCAAACTCTGTTGGCACTTGAGAAAGAAGAAGAGGAGGAAGTTTTTGAGTCTTCTGTACC-3'
Protein context (NP_001202.5, residues 192-212): QHRQFQARVS[Arg202Gln]QTLLALEKEE

ClinVar aggregate classification (germline): Uncertain significance. Review status: criteria provided, multiple submitters, no conflicts (2 of 4 stars). 2 submissions from 2 submitters: Uncertain significance (2). Last evaluated 2023-07-08.

Conditions:
Mosaic variegated aneuploidy syndrome 1 (MVA1). Also called: Warburton-Anyane-Yeboa syndrome. Identifiers: Orphanet 1052, MedGen C1850343, MONDO:0009759, OMIM 257300.
Inborn genetic diseases. Identifiers: MedGen C0950123, MeSH D030342.

Allele frequency attached by ClinVar (database versions not stated): ExAC 0.00002; TOPMed 0.00005; gnomAD 0.00001; gnomAD exomes 0.00001 and 0.00003.

Submissions (2):

Labcorp Genetics (formerly Invitae), Labcorp
Classification: Uncertain significance for Mosaic variegated aneuploidy syndrome 1. Last evaluated: 2023-07-08. Review status: criteria provided, single submitter. Criteria: Invitae Variant Classification Sherloc (09022015). Collection method: clinical testing. Allele origin: germline.
Comment: This sequence change replaces arginine, which is basic and polar, with glutamine, which is neutral and polar, at codon 202 of the BUB1B protein (p.Arg202Gln). This variant is present in population databases (rs768417752, gnomAD 0.007%). This variant has not been reported in the literature in individuals affected with BUB1B-related conditions. ClinVar contains an entry for this variant (Variation ID: 403755). An algorithm developed to predict the effect of missense changes on protein structure and function (PolyPhen-2) suggests that this variant is likely to be disruptive. In summary, the available evidence is currently insufficient to determine the role of this variant in disease. Therefore, it has been classified as a Variant of Uncertain Significance.

Ambry Genetics
Classification: Uncertain significance for Inborn genetic diseases. Last evaluated: 2022-12-31. Review status: criteria provided, single submitter. Criteria: Ambry Variant Classification Scheme 2023. Collection method: clinical testing. Allele origin: germline.
Comment: The p.R202Q variant (also known as c.605G>A), located in coding exon 6 of the BUB1B gene, results from a G to A substitution at nucleotide position 605. The arginine at codon 202 is replaced by glutamine, an amino acid with highly similar properties. This amino acid position is conserved. In addition, this alteration is predicted to be tolerated by in silico analysis. Since supporting evidence is limited at this time, the clinical significance of this alteration remains unclear.